The following is an entry in ClinVar:

NM_022436.3(ABCG5):c.695T>C (p.Val232Ala)

Genes: ABCG5 (ATP binding cassette subfamily G member 5; minus strand), DYNC2LI1 (dynein cytoplasmic 2 light intermediate chain 1; plus strand). Cytogenetic location: 2p21.
Variant type: single nucleotide variant.
Coding change: c.695T>C on transcript NM_022436.3 (MANE Select); coding-DNA position 695, T replaced by C.
Protein change: p.Val232Ala; replaces valine 232 with alanine.
Molecular consequence: missense variant. On other transcripts: intron variant (2).
Genome position (GRCh38, 1-based): chr2:43,826,461, A>G on the plus strand (T>C on the coding strand, the complement: ABCG5 is on the minus strand). VCF-style: chr2-43826461-A-G. GRCh37 (hg19) VCF-style: chr2-44053600-A-G.
Other names: c.*16-925A>G (NM_001348913.2, NM_001348912.2); short protein forms V232A.
Identifiers: ClinVar variation 4147375 (VCV004147375.1).

ClinVar aggregate classification (germline): Uncertain significance (1 of 4 stars; one submission).

Conditions:
Cardiovascular phenotype. Identifiers: MedGen CN230736.

Submission:

Ambry Genetics
Classification: Uncertain significance for Cardiovascular phenotype. Last evaluated: 2025-08-30. Review status: criteria provided, single submitter. Criteria: Ambry Variant Classification Scheme 2023. Collection method: clinical testing. Allele origin: germline.
Comment: The p.V232A variant (also known as c.695T>C), located in coding exon 6 of the ABCG5 gene, results from a T to C substitution at nucleotide position 695. The valine at codon 232 is replaced by alanine, an amino acid with similar properties. This amino acid position is conserved. In addition, this alteration is predicted to be tolerated by in silico analysis. Based on the available evidence, the clinical significance of this variant remains unclear.